The following is an entry in ClinVar:

ClinVar aggregate classification (germline): Uncertain significance (1 of 4 stars; one submission).

Conditions:
Hereditary cancer-predisposing syndrome. Also called: Neoplastic Syndromes, Hereditary; Tumor predisposition; Hereditary Cancer Syndrome; Hereditary neoplastic syndrome. Identifiers: Orphanet 140162, MedGen C0027672, MeSH D009386, MONDO:0015356.

Submission:

Ambry Genetics
Classification: Uncertain significance for Hereditary cancer-predisposing syndrome. Last evaluated: 2024-11-18. Review status: criteria provided, single submitter. Criteria: Ambry Variant Classification Scheme 2023. Collection method: clinical testing. Allele origin: germline.
Comment: The p.V1173L variant (also known as c.3517G>T), located in coding exon 21 of the PTCH1 gene, results from a G to T substitution at nucleotide position 3517. The valine at codon 1173 is replaced by leucine, an amino acid with highly similar properties. This amino acid position is conserved. In addition, this alteration is predicted to be deleterious by in silico analysis. Based on the available evidence, the clinical significance of this variant remains unclear.

NM_000264.5(PTCH1):c.3517G>T (p.Val1173Leu)

Gene: PTCH1 (patched 1; minus strand). Cytogenetic location: 9q22.32.
Variant type: single nucleotide variant.
Coding change: c.3517G>T on transcript NM_000264.5 (MANE Select); coding-DNA position 3517, G replaced by T.
Protein change: p.Val1173Leu; replaces valine 1173 with leucine.
Molecular consequence: missense variant. On other transcripts: non-coding transcript variant (1).
Genome position (GRCh38, 1-based): chr9:95,449,873, C>A on the plus strand (G>T on the coding strand, the complement: PTCH1 is on the minus strand). VCF-style: chr9-95449873-C-A. GRCh37 (hg19) VCF-style: chr9-98212155-C-A.
Other names: c.3319G>T, p.Val1107Leu (NM_001083602.3); c.3514G>T, p.Val1172Leu (NM_001083603.3); c.3064G>T, p.Val1022Leu (NM_001083604.3, NM_001083605.3, NM_001083606.3 and 1 more transcripts); c.3361G>T, p.Val1121Leu (NM_001354918.2); short protein forms V1172L, V1173L, V1022L, V1107L, V1121L.
Identifiers: ClinVar variation 3427331 (VCV003427331.1).
Genomic context (GRCh38, chr9:95,449,873, plus strand): 5'-CGTGGGACATCCCCGTGTCACTACTGACCTCAGGATATGGTCCAAAGAAAGACAAAAGCA[C>A]GGGAAGCAAAACCAGCCCATTGAGAACGCCGAGGATGGTGAGGATCGCCAGCACAGCAAA-3'
Protein context (NP_000255.2, residues 1163-1183): GVLNGLVLLP[Val1173Leu]LLSFFGPYPE